The following is an entry in ClinVar:

NM_001083538.3(POTEE):c.2157C>T (p.Ala719=)

Gene: POTEE (POTE ankyrin domain family member E; plus strand). Cytogenetic location: 2q21.1.
Variant type: single nucleotide variant.
Coding change: c.2157C>T on transcript NM_001083538.3 (MANE Select); coding-DNA position 2157, C replaced by T.
Protein change: p.Ala719=; no amino-acid change (alanine 719 retained).
Molecular consequence: synonymous variant.
Genome position (GRCh38, 1-based): chr2:131,263,612, C>T. VCF-style: chr2-131263612-C-T. GRCh37 (hg19) VCF-style: chr2-132021185-C-T.
Identifiers: ClinVar variation 2651375 (VCV002651375.24), dbSNP rs1047270224, ClinGen allele CA55533740.

ClinVar aggregate classification (germline): Likely benign (1 of 4 stars; one submission).

Submission:

CeGaT Center for Human Genetics Tuebingen
Classification: Likely benign. Last evaluated: 2023-06-01. Review status: criteria provided, single submitter. Criteria: CeGaT Center For Human Genetics Tuebingen Variant Classification Criteria Version 2. Collection method: clinical testing. Allele origin: germline. Affected: yes. Observed: 1 variant allele.
Comment: POTEE: BP4